The following is an entry in ClinVar:

ClinVar aggregate classification (germline): Likely benign (1 of 4 stars; one submission).

Allele frequency attached by ClinVar (database versions not stated): gnomAD 0.00001; ExAC 0.00002; gnomAD exomes 0.00002.

Submission:

CeGaT Center for Human Genetics Tuebingen
Classification: Likely benign. Last evaluated: 2022-11-01. Review status: criteria provided, single submitter. Criteria: CeGaT Center For Human Genetics Tuebingen Variant Classification Criteria Version 2. Collection method: clinical testing. Allele origin: germline. Affected: yes. Observed: 1 variant allele.
Comment: TCF20: BP4

NM_001378418.1(TCF20):c.3484C>T (p.Arg1162Cys)

Gene: TCF20 (transcription factor 20; minus strand). Cytogenetic location: 22q13.2.
Variant type: single nucleotide variant.
Coding change: c.3484C>T on transcript NM_001378418.1 (MANE Select); coding-DNA position 3484, C replaced by T.
Protein change: p.Arg1162Cys; replaces arginine 1162 with cysteine.
Molecular consequence: missense variant.
Genome position (GRCh38, 1-based): chr22:42,211,822, G>A on the plus strand (C>T on the coding strand, the complement: TCF20 is on the minus strand). VCF-style: chr22-42211822-G-A. GRCh37 (hg19) VCF-style: chr22-42607828-G-A.
Other names: c.3484C>T, p.Arg1162Cys (NM_005650.4, NM_181492.3); short protein forms R1162C.
Identifiers: ClinVar variation 1879562 (VCV001879562.29), dbSNP rs774762915, ClinGen allele CA10266822.